The following is an entry in ClinVar:

NM_005026.5(PIK3CD):c.274G>A (p.Val92Met)

Gene: PIK3CD (phosphatidylinositol-4,5-bisphosphate 3-kinase catalytic subunit delta; plus strand). Cytogenetic location: 1p36.22.
Variant type: single nucleotide variant.
Coding change: c.274G>A on transcript NM_005026.5 (MANE Select); coding-DNA position 274, G replaced by A.
Protein change: p.Val92Met; replaces valine 92 with methionine.
Molecular consequence: missense variant.
Genome position (GRCh38, 1-based): chr1:9,715,673, G>A. VCF-style: chr1-9715673-G-A. GRCh37 (hg19) VCF-style: chr1-9775731-G-A.
Other names: c.274G>A, p.Val92Met (NM_001350234.2, NM_001350235.1, NM_001437546.1 and 3 more transcripts); short protein forms V92M.
Identifiers: ClinVar variation 4692565 (VCV004692565.1).

ClinVar aggregate classification (germline): Uncertain significance (1 of 4 stars; one submission).

Conditions:
Immunodeficiency 14 (IMD14A). Also called: p110-DELTA-ACTIVATING MUTATION CAUSING SENESCENT T CELLS, LYMPHADENOPATHY, AND IMMUNODEFICIENCY; ACTIVATED PI3K-DELTA SYNDROME 1; Activated PI3K Delta Syndrome Type 1 (APDS1); IMMUNODEFICIENCY 14A WITH LYMPHOPROLIFERATION, AUTOSOMAL DOMINANT. Identifiers: Orphanet 397596, Orphanet 693661, MedGen C5907821, MONDO:0014222, OMIM 615513.

gnomAD v4.1: 3 of 1,613,746 alleles (0.00019%); highest among the groups gnomAD compares: Non-Finnish European, 0.00025%; no homozygotes.

Submission:

Labcorp Genetics (formerly Invitae), Labcorp
Classification: Uncertain significance for Activated PI3K-delta syndrome. Last evaluated: 2025-09-13. Review status: criteria provided, single submitter. Criteria: Invitae Variant Classification Sherloc (09022015). Collection method: clinical testing. Allele origin: germline.
Comment: This sequence change replaces valine, which is neutral and non-polar, with methionine, which is neutral and non-polar, at codon 92 of the PIK3CD protein (p.Val92Met). This variant is not present in population databases (gnomAD no frequency). This variant has not been reported in the literature in individuals affected with PIK3CD-related conditions. An algorithm developed to predict the effect of missense changes on protein structure and function (PolyPhen-2) suggests that this variant is likely to be disruptive. In summary, the available evidence is currently insufficient to determine the role of this variant in disease. Therefore, it has been classified as a Variant of Uncertain Significance.